The following is an entry in ClinVar:

NM_001018005.2(TPM1):c.609C>G (p.Asn203Lys)

Gene: TPM1 (tropomyosin 1; plus strand). Cytogenetic location: 15q22.2.
Variant type: single nucleotide variant.
Coding change: c.609C>G on transcript NM_001018005.2 (MANE Select); coding-DNA position 609, C replaced by G.
Protein change: p.Asn203Lys; replaces asparagine 203 with lysine.
Molecular consequence: missense variant. On other transcripts: intron variant (6).
Genome position (GRCh38, 1-based): chr15:63,061,758, C>G. VCF-style: chr15-63061758-C-G. GRCh37 (hg19) VCF-style: chr15-63353957-C-G.
Other names: c.609C>G, p.Asn203Lys (NM_001018004.2, NM_001018007.2, NM_001301244.2 and 3 more transcripts); c.501C>G, p.Asn167Lys (NM_001018008.2, NM_001301289.2, NM_001330346.2 and 2 more transcripts); c.735C>G, p.Asn245Lys (NM_001365778.1); c.640-457C>G (NM_001018020.2, NM_001018006.2, NM_000366.6); c.532-457C>G (NM_001330351.2, NM_001330344.2, NM_001365781.2); short protein forms N203K, N167K, N245K.
Identifiers: ClinVar variation 43679 (VCV000043679.17), dbSNP rs397516486, ClinGen allele CA018224.

ClinVar aggregate classification (germline): Uncertain significance. Review status: criteria provided, multiple submitters, no conflicts (2 of 4 stars). 3 submissions from 3 submitters: Uncertain significance (2). 1 of the submissions does not count toward it. Last evaluated 2025-12-16.

Conditions:
Cardiovascular phenotype. Identifiers: MedGen CN230736.
Hypertrophic cardiomyopathy. Also called: HYPERTROPHIC MYOCARDIOPATHY. Identifiers: Orphanet 217569, MedGen C0007194, MeSH D002312, MONDO:0005045, HP:0001639.

Submissions (3):

Labcorp Genetics (formerly Invitae), Labcorp
Classification: Uncertain significance for Hypertrophic cardiomyopathy. Last evaluated: 2025-12-16. Review status: criteria provided, single submitter. Criteria: Invitae Variant Classification Sherloc (09022015). Collection method: clinical testing. Allele origin: germline.
Comment: This sequence change replaces asparagine, which is neutral and polar, with lysine, which is basic and polar, at codon 203 of the TPM1 protein (p.Asn203Lys). This variant is not present in population databases (gnomAD no frequency). This variant has not been reported in the literature in individuals affected with TPM1-related conditions. ClinVar contains an entry for this variant (Variation ID: 43679). An algorithm developed to predict the effect of missense changes on protein structure and function (PolyPhen-2) suggests that this variant is likely to be tolerated. In summary, the available evidence is currently insufficient to determine the role of this variant in disease. Therefore, it has been classified as a Variant of Uncertain Significance.

Ambry Genetics
Classification: Uncertain significance for Cardiovascular phenotype. Last evaluated: 2022-12-07. Review status: criteria provided, single submitter. Criteria: Ambry Variant Classification Scheme 2023. Collection method: clinical testing. Allele origin: germline.
Comment: The p.N203K variant (also known as c.609C>G), located in coding exon 6 of the TPM1 gene, results from a C to G substitution at nucleotide position 609. The asparagine at codon 203 is replaced by lysine, an amino acid with similar properties. This amino acid position is highly conserved in available vertebrate species. In addition, this alteration is predicted to be deleterious by in silico analysis. Since supporting evidence is limited at this time, the clinical significance of this alteration remains unclear.

Laboratory for Molecular Medicine, Mass General Brigham Personalized Medicine
Classification: Likely pathogenic for Hypertrophic cardiomyopathy. Last evaluated: 2008-07-22. Review status: no assertion criteria provided. Collection method: clinical testing. Allele origin: germline. Observed: 5 variant alleles. Not counted in ClinVar's aggregate classification.

Literature cited by the submitters: PubMed 33495597 (cited by Ambry Genetics); PubMed 15249230 (cited by Laboratory for Molecular Medicine, Mass General Brigham Personalized Medicine).